The following is an entry in ClinVar:

NM_004329.3(BMPR1A):c.1529C>T (p.Ser510Phe)

Gene: BMPR1A (bone morphogenetic protein receptor type 1A; plus strand). Cytogenetic location: 10q23.2.
Variant type: single nucleotide variant.
Coding change: c.1529C>T on transcript NM_004329.3 (MANE Select); coding-DNA position 1529, C replaced by T.
Protein change: p.Ser510Phe; replaces serine 510 with phenylalanine.
Molecular consequence: missense variant. On other transcripts: non-coding transcript variant (3).
Genome position (GRCh38, 1-based): chr10:86,923,649, C>T. VCF-style: chr10-86923649-C-T. GRCh37 (hg19) VCF-style: chr10-88683406-C-T.
Other names: c.1529C>T, p.Ser510Phe (NM_001406577.1, NM_001406578.1, NM_001406579.1 and 19 more transcripts); c.1523C>T, p.Ser508Phe (NM_001406583.1); c.1445C>T, p.Ser482Phe (NM_001406584.1, NM_001406585.1, NM_001406586.1 and 2 more transcripts); c.1187C>T, p.Ser396Phe (NM_001406589.1); c.1604C>T, p.Ser535Phe (NM_001406559.1); c.1577C>T, p.Ser526Phe (NM_001406560.1); short protein forms S508F, S510F, S535F, S482F, S396F, S526F.
Identifiers: ClinVar variation 5033014 (VCV005033014.1).
Genomic context (GRCh38, chr10:86,923,649, plus strand): 5'-TTCAGTGTCTACGAGCAGTTTTGAAGCTAATGTCAGAATGCTGGGCCCACAATCCAGCCT[C>T]CAGACTCACAGCATTGAGAATTAAGAAGACGCTTGCCAAGATGGTTGAATCCCAAGATGT-3'
Protein context (NP_004320.2, residues 500-520): MSECWAHNPA[Ser510Phe]RLTALRIKKT

ClinVar aggregate classification (germline): Uncertain significance (1 of 4 stars; one submission).

Conditions:
Hereditary cancer-predisposing syndrome. Also called: Neoplastic Syndromes, Hereditary; Tumor predisposition; Hereditary neoplastic syndrome; Hereditary Cancer Syndrome. Identifiers: Orphanet 140162, MedGen C0027672, MeSH D009386, MONDO:0015356.

Submission:

Ambry Genetics
Classification: Uncertain significance for Hereditary cancer-predisposing syndrome. Last evaluated: 2026-07-07. Review status: criteria provided, single submitter. Criteria: Ambry Variant Classification Scheme 2023. Collection method: clinical testing. Allele origin: germline.
Comment: The p.S510F variant (also known as c.1529C>T), located in coding exon 11 of the BMPR1A gene, results from a C to T substitution at nucleotide position 1529. The serine at codon 510 is replaced by phenylalanine, an amino acid with highly dissimilar properties. This amino acid position is conserved. In addition, this alteration is predicted to be deleterious by in silico analysis. Based on the available evidence, the clinical significance of this variant remains unclear.